The following is an entry in ClinVar:

ClinVar aggregate classification (germline): Uncertain significance (1 of 4 stars; one submission).

Allele frequency attached by ClinVar (database versions not stated): gnomAD exomes below 0.00001; ESP Exome Variant Server 0.00008.
gnomAD v4.1: 5 of 1,613,800 alleles (0.00031%); highest among the groups gnomAD compares: Non-Finnish European, 0.00042%; no homozygotes.

Submission:

Labcorp Genetics (formerly Invitae), Labcorp
Classification: Uncertain significance. Last evaluated: 2022-07-12. Review status: criteria provided, single submitter. Criteria: Invitae Variant Classification Sherloc (09022015). Collection method: clinical testing. Allele origin: germline.
Comment: This sequence change replaces aspartic acid, which is acidic and polar, with glycine, which is neutral and non-polar, at codon 189 of the DIAPH3 protein (p.Asp189Gly). This variant is present in population databases (rs369191795, gnomAD 0.003%). This variant has not been reported in the literature in individuals affected with DIAPH3-related conditions. Algorithms developed to predict the effect of missense changes on protein structure and function (SIFT, PolyPhen-2, Align-GVGD) all suggest that this variant is likely to be tolerated. Algorithms developed to predict the effect of sequence changes on RNA splicing suggest that this variant may create or strengthen a splice site. In summary, the available evidence is currently insufficient to determine the role of this variant in disease. Therefore, it has been classified as a Variant of Uncertain Significance.

NM_001042517.2(DIAPH3):c.566A>G (p.Asp189Gly)

Genes: DIAPH3 (diaphanous related formin 3; minus strand), DIAPH3-AS1 (DIAPH3 antisense RNA 1; plus strand). Cytogenetic location: 13q21.2.
Variant type: single nucleotide variant.
Coding change: c.566A>G on transcript NM_001042517.2 (MANE Select); coding-DNA position 566, A replaced by G.
Protein change: p.Asp189Gly; replaces aspartic acid 189 with glycine.
Molecular consequence: missense variant. On other transcripts: non-coding transcript variant (4).
Genome position (GRCh38, 1-based): chr13:60,042,750, T>C on the plus strand (A>G on the coding strand, the complement: DIAPH3 is on the minus strand). VCF-style: chr13-60042750-T-C. GRCh37 (hg19) VCF-style: chr13-60616884-T-C.
Other names: c.533A>G, p.Asp178Gly (NM_001258366.2); c.428A>G, p.Asp143Gly (NM_001258367.2); c.356A>G, p.Asp119Gly (NM_001258368.2); c.566A>G, p.Asp189Gly (NM_001258369.2); short protein forms D119G, D143G, D178G, D189G.
Identifiers: ClinVar variation 2421862 (VCV002421862.6), dbSNP rs369191795, ClinGen allele CA250970683.